The following is an entry in ClinVar:

ClinVar aggregate classification (germline): Likely pathogenic (1 of 4 stars; one submission).

Conditions:
Benign hereditary chorea (BHC). Also called: HEREDITARY PROGRESSIVE CHOREA WITHOUT DEMENTIA; Benign Hereditary Chorea (BHC). Identifiers: Orphanet 1429, MedGen C0393584, MONDO:0021011, OMIM 118700.

Submission:

3billion
Classification: Likely pathogenic for Benign hereditary chorea. Last evaluated: 2023-02-23. Review status: criteria provided, single submitter. Criteria: ACMG Guidelines, 2015. Collection method: clinical testing. Allele origin: unknown. Affected: yes.
Comment: The variant is not observed in the gnomAD v2.1.1 dataset. This variant was predicted to result in a loss or disruption of normal protein function through protein truncation. Multiple pathogenic variants are reported in the predicted truncated region. Therefore, this variant is classified as Likely pathogenic according to the recommendation of ACMG/AMP guideline.

NM_001079668.3(NKX2-1):c.535del (p.Asp178_Val179insTer)

Genes: NKX2-1 (NK2 homeobox 1; minus strand), SFTA3 (surfactant associated 3; minus strand). Cytogenetic location: 14q13.3.
Variant type: Deletion.
Coding change: c.535del on transcript NM_001079668.3 (MANE Select); coding-DNA position 535, one base deleted (G; older notation c.535delG).
Protein change: p.Asp178_Val179insTer.
Molecular consequence: nonsense.
Genome position (GRCh38, 1-based): chr14:36,517,949, C deleted on the plus strand (G on the coding strand, the reverse complement: NKX2-1 is on the minus strand). VCF-style (leftmost placement, unchanged base first): chr14-36517948-AC-A. GRCh37 (hg19) VCF-style: chr14-36987153-AC-A.
Other names: c.445del, p.Asp148_Val149insTer (NM_003317.4).
Identifiers: ClinVar variation 2444325 (VCV002444325.1), dbSNP rs2502629750, ClinGen allele CA2580088219.